The following is an entry in ClinVar:

NM_000219.6(KCNE1):c.249G>C (p.Glu83Asp)

Gene: KCNE1 (potassium voltage-gated channel subfamily E regulatory subunit 1; minus strand). Cytogenetic location: 21q22.12.
Variant type: single nucleotide variant.
Coding change: c.249G>C on transcript NM_000219.6 (MANE Select); coding-DNA position 249, G replaced by C.
Protein change: p.Glu83Asp; replaces glutamic acid 83 with aspartic acid.
Molecular consequence: missense variant.
Genome position (GRCh38, 1-based): chr21:34,449,386, C>G on the plus strand (G>C on the coding strand, the complement: KCNE1 is on the minus strand). VCF-style: chr21-34449386-C-G. GRCh37 (hg19) VCF-style: chr21-35821684-C-G.
Other names: c.249G>C, p.Glu83Asp (NM_001127668.4, NM_001127669.4, NM_001127670.4 and 4 more transcripts); short protein forms E83D.
Identifiers: ClinVar variation 3374435 (VCV003374435.2).

Conditions:
Long QT syndrome 5 (LQT5). Identifiers: Orphanet 101016, Orphanet 768, MedGen C1867904, MONDO:0013372, OMIM 613695.

Submission:

Roden Lab, Vanderbilt University Medical Center
No classification provided (evidence only). Condition: Long QT syndrome 5. Review status: no classification provided. Collection method: in vitro. Allele origin: not applicable. Functional consequence: Effect on ion channel function.
ClinVar note: "not provided" was previously submitted as the classification for the variant. However, the classification appeared to be based only on an observation of functional data so it was converted to no classification on 2025-07-30.